The following is an entry in ClinVar:

ClinVar aggregate classification (germline): Likely pathogenic (1 of 4 stars; one submission).

Conditions:
Short-rib thoracic dysplasia 6 with or without polydactyly (SRTD6). Also called: POLYDACTYLY WITH NEONATAL CHONDRODYSTROPHY, TYPE II; Majewski Syndrome; SHORT-RIB THORACIC DYSPLASIA 6 WITH POLYDACTYLY; SHORT-RIB THORACIC DYSPLASIA 6 WITHOUT POLYDACTYLY; SHORT RIB-POLYDACTYLY SYNDROME, TYPE IIA. Identifiers: MedGen C0024507, MONDO:0009894, OMIM 263520.

Allele frequency attached by ClinVar (database versions not stated): gnomAD exomes below 0.00001.
gnomAD v4.1: 1 of 1,476,710 alleles (0.000068%); highest among the groups gnomAD compares: Admixed American, 0.0022%; no homozygotes.

Submission:

Labcorp Genetics (formerly Invitae), Labcorp
Classification: Likely pathogenic for Short-rib thoracic dysplasia 6 with or without polydactyly. Last evaluated: 2023-10-20. Review status: criteria provided, single submitter. Criteria: Invitae Variant Classification Sherloc (09022015). Collection method: clinical testing. Allele origin: germline.
Comment: This sequence change affects a donor splice site in intron 8 of the NEK1 gene. It is expected to disrupt RNA splicing. Variants that disrupt the donor or acceptor splice site typically lead to a loss of protein function (PMID: 16199547), and loss-of-function variants in NEK1 are known to be pathogenic (PMID: 22499340, 29068549). This variant is present in population databases (no rsID available, gnomAD 0.005%). Disruption of this splice site has been observed in individual(s) with amyotrophic lateral sclerosis (PMID: 32920598). Algorithms developed to predict the effect of sequence changes on RNA splicing suggest that this variant may disrupt the consensus splice site. In summary, the currently available evidence indicates that the variant is pathogenic, but additional data are needed to prove that conclusively. Therefore, this variant has been classified as Likely Pathogenic.

Literature cited by the submitters: PubMed 16199547; PubMed 22499340; PubMed 29068549; PubMed 32920598.

NM_001199397.3(NEK1):c.606+1G>C

Gene: NEK1 (NIMA related kinase 1; minus strand). Cytogenetic location: 4q33.
Variant type: single nucleotide variant.
Coding change: c.606+1G>C on transcript NM_001199397.3 (MANE Select); the canonical splice donor site of the intron after coding-DNA position 606, G replaced by C.
Molecular consequence: splice donor variant.
Genome position (GRCh38, 1-based): chr4:169,587,558, C>G on the plus strand (G>C on the coding strand, the complement: NEK1 is on the minus strand). VCF-style: chr4-169587558-C-G. GRCh37 (hg19) VCF-style: chr4-170508709-C-G.
Other names: c.606+1G>C (NM_001374421.1, NM_001374420.1, NM_001199399.3 and 7 more transcripts).
Identifiers: ClinVar variation 2744835 (VCV002744835.3), dbSNP rs370576859, ClinGen allele CA109920466.
Genomic context (GRCh38, chr4:169,587,558, plus strand): 5'-TAAAAACATTATAGTCGCTTTTTAACATAACTTTGAAAGTATTTCAGAAACTTCTACTTA[C>G]AGCATGTTTAAGTGTACACAGCTCATAAAGGACACACCCCAGAGCCCAAATGTCACTGGA-3'